The following is an entry in ClinVar:

ClinVar aggregate classification (germline): Uncertain significance (1 of 4 stars; one submission).

Conditions:
Autosomal recessive severe congenital neutropenia due to JAGN1 deficiency. Also called: Severe congenital neutropenia 6, autosomal recessive. Identifiers: Orphanet 423384, MedGen C4014954, MONDO:0014456, OMIM 616022.

Allele frequency attached by ClinVar (database versions not stated): TOPMed below 0.00001.
gnomAD v4.1: 4 of 1,614,164 alleles (0.00025%); highest among the groups gnomAD compares: South Asian, 0.0011%; no homozygotes.

Submission:

Labcorp Genetics (formerly Invitae), Labcorp
Classification: Uncertain significance for Autosomal recessive severe congenital neutropenia due to JAGN1 deficiency. Last evaluated: 2022-03-12. Review status: criteria provided, single submitter. Criteria: Invitae Variant Classification Sherloc (09022015). Collection method: clinical testing. Allele origin: germline.
Comment: This variant has not been reported in the literature in individuals affected with JAGN1-related conditions. In summary, the available evidence is currently insufficient to determine the role of this variant in disease. Therefore, it has been classified as a Variant of Uncertain Significance. Algorithms developed to predict the effect of missense changes on protein structure and function (SIFT, PolyPhen-2, Align-GVGD) all suggest that this variant is likely to be disruptive. This variant is not present in population databases (gnomAD no frequency). This sequence change replaces tyrosine, which is neutral and polar, with cysteine, which is neutral and slightly polar, at codon 72 of the JAGN1 protein (p.Tyr72Cys).

NM_032492.4(JAGN1):c.215A>G (p.Tyr72Cys)

Gene: JAGN1 (jagunal vesicle mediated transporter 1; plus strand). Cytogenetic location: 3p25.3.
Variant type: single nucleotide variant.
Coding change: c.215A>G on transcript NM_032492.4 (MANE Select); coding-DNA position 215, A replaced by G.
Protein change: p.Tyr72Cys; replaces tyrosine 72 with cysteine.
Molecular consequence: missense variant.
Genome position (GRCh38, 1-based): chr3:9,893,040, A>G. VCF-style: chr3-9893040-A-G. GRCh37 (hg19) VCF-style: chr3-9934724-A-G.
Other names: c.53A>G, p.Tyr18Cys (NM_001363890.1); short protein forms Y72C, Y18C.
Identifiers: ClinVar variation 2058208 (VCV002058208.4), dbSNP rs2082573471, ClinGen allele CA351714627.
Genomic context (GRCh38, chr3:9,893,040, plus strand): 5'-TTGCTAAGATGAGCGTGGGACACCTGAGGCTCTTGTCACATGATCAGGTGGCCATGCCCT[A>G]TCAGTGGGAATACCCGTATTTGCTGAGCATTTTGCCCTCTCTCTTGGGCCTTCTCTCCTT-3'
Protein context (NP_115881.3, residues 62-82): LLSHDQVAMP[Tyr72Cys]QWEYPYLLSI